The following is an entry in ClinVar:

ClinVar aggregate classification (germline): Uncertain significance. Review status: criteria provided, multiple submitters, no conflicts (2 of 4 stars). 2 submissions from 2 submitters: Uncertain significance (2). Last evaluated 2025-02-08.

Conditions:
Autosomal dominant limb-girdle muscular dystrophy type 1G (LGMDD3). Also called: MUSCULAR DYSTROPHY, LIMB-GIRDLE, AUTOSOMAL DOMINANT 3; Limb-girdle muscular dystrophy, type 1G. Identifiers: Orphanet 55596, MedGen C1836765, MONDO:0012193, OMIM 609115.

Allele frequency attached by ClinVar (database versions not stated): gnomAD 0.00001; gnomAD exomes 0.00001.
gnomAD v4.1: 11 of 1,613,418 alleles (0.00068%); highest among the groups gnomAD compares: Admixed American, 0.0017%; no homozygotes.

Submissions (2):

Ambry Genetics
Classification: Uncertain significance. Last evaluated: 2025-02-08. Review status: criteria provided, single submitter. Criteria: Ambry Variant Classification Scheme 2023. Collection method: clinical testing. Allele origin: germline.

Labcorp Genetics (formerly Invitae), Labcorp
Classification: Uncertain significance for Autosomal dominant limb-girdle muscular dystrophy type 1G. Last evaluated: 2022-03-15. Review status: criteria provided, single submitter. Criteria: Invitae Variant Classification Sherloc (09022015). Collection method: clinical testing. Allele origin: germline.
Comment: This sequence change replaces alanine, which is neutral and non-polar, with glycine, which is neutral and non-polar, at codon 104 of the HNRNPDL protein (p.Ala104Gly). This variant is present in population databases (no rsID available, gnomAD 0.003%). This variant has not been reported in the literature in individuals affected with HNRNPDL-related conditions. Algorithms developed to predict the effect of missense changes on protein structure and function output the following: SIFT: "Tolerated"; PolyPhen-2: "Benign"; Align-GVGD: "Class C0". The glycine amino acid residue is found in multiple mammalian species, which suggests that this missense change does not adversely affect protein function. In summary, the available evidence is currently insufficient to determine the role of this variant in disease. Therefore, it has been classified as a Variant of Uncertain Significance.

NM_031372.4(HNRNPDL):c.311C>G (p.Ala104Gly)

Gene: HNRNPDL (heterogeneous nuclear ribonucleoprotein D like; minus strand). Cytogenetic location: 4q21.22.
Variant type: single nucleotide variant.
Coding change: c.311C>G on transcript NM_031372.4 (MANE Select); coding-DNA position 311, C replaced by G.
Protein change: p.Ala104Gly; replaces alanine 104 with glycine.
Molecular consequence: missense variant. On other transcripts: non-coding transcript variant (1).
Genome position (GRCh38, 1-based): chr4:82,429,380, G>C on the plus strand (C>G on the coding strand, the complement: HNRNPDL is on the minus strand). VCF-style: chr4-82429380-G-C. GRCh37 (hg19) VCF-style: chr4-83350533-G-C.
Other names: c.311C>G, p.Ala104Gly (NM_001207000.1); c.311C>G (NM_031372.3); short protein forms A104G.
Identifiers: ClinVar variation 1406357 (VCV001406357.7), dbSNP rs961696042, ClinGen allele CA100598839.
Genomic context (GRCh38, chr4:82,429,380, plus strand): 5'-TTCATATCCTCCATAGTGACGGAGCTGTCGGCAGGGGGGTGCTGGCGCGCAGTCCGGGTC[G>C]CGGCAGCAGCGGCGGCGGAGCGTTGTATGGAGCTGGATTTAAAATGGCGGCGGAAGAGAT-3'
Protein context (NP_112740.1, residues 94-114): SIQRSAAAAA[Ala104Gly]TRTARQHPPA